The following is an entry in ClinVar:

ClinVar aggregate classification (germline): Uncertain significance (1 of 4 stars; one submission).

Conditions:
Familial adenomatous polyposis 1 (FAP1). Also called: FAMILIAL ADENOMATOUS POLYPOSIS 1, ATTENUATED; POLYPOSIS, ADENOMATOUS INTESTINAL. Identifiers: MedGen C2713442, MONDO:0021056, OMIM 175100. Disease mechanism: loss of function.

Submission:

Labcorp Genetics (formerly Invitae), Labcorp
Classification: Uncertain significance for Familial adenomatous polyposis 1. Last evaluated: 2024-10-19. Review status: criteria provided, single submitter. Criteria: Invitae Variant Classification Sherloc (09022015). Collection method: clinical testing. Allele origin: germline.
Comment: This sequence change replaces valine, which is neutral and non-polar, with alanine, which is neutral and non-polar, at codon 2561 of the APC protein (p.Val2561Ala). This variant is not present in population databases (gnomAD no frequency). This variant has not been reported in the literature in individuals affected with APC-related conditions. Invitae Evidence Modeling of protein sequence and biophysical properties (such as structural, functional, and spatial information, amino acid conservation, physicochemical variation, residue mobility, and thermodynamic stability) indicates that this missense variant is not expected to disrupt APC protein function with a negative predictive value of 95%. In summary, the available evidence is currently insufficient to determine the role of this variant in disease. Therefore, it has been classified as a Variant of Uncertain Significance.

NM_000038.6(APC):c.7682T>C (p.Val2561Ala)

Gene: APC (APC regulator of Wnt signaling pathway; plus strand). Cytogenetic location: 5q22.2.
Variant type: single nucleotide variant.
Coding change: c.7682T>C on transcript NM_000038.6 (MANE Select); coding-DNA position 7682, T replaced by C.
Protein change: p.Val2561Ala; replaces valine 2561 with alanine.
Molecular consequence: missense variant. On other transcripts: non-coding transcript variant (2).
Genome position (GRCh38, 1-based): chr5:112,843,276, T>C. VCF-style: chr5-112843276-T-C. GRCh37 (hg19) VCF-style: chr5-112178973-T-C.
Other names: c.7682T>C, p.Val2561Ala (NM_001127510.3, NM_001354895.2, NM_001407450.1); c.7628T>C, p.Val2543Ala (NM_001127511.3); c.7736T>C, p.Val2579Ala (NM_001354896.2, NM_001407447.1, NM_001407448.1 and 1 more transcripts); c.7712T>C, p.Val2571Ala (NM_001354897.2); c.7607T>C, p.Val2536Ala (NM_001354898.2); c.7598T>C, p.Val2533Ala (NM_001354899.2); c.7559T>C, p.Val2520Ala (NM_001354900.2); c.7505T>C, p.Val2502Ala (NM_001354901.2, NM_001407453.1); and 11 more; short protein forms V2432A, V2478A, V2579A, V2460A, V2536A, V2177A, V2435A, V2543A.
Identifiers: ClinVar variation 3635519 (VCV003635519.2).
Genomic context (GRCh38, chr5:112,843,276, plus strand): 5'-TCAATAGGTCAGGAACCTGGAAACGTGAGCACAGCAAACATTCATCATCCCTTCCTCGAG[T>C]AAGCACTTGGAGAAGAACTGGAAGTTCATCTTCAATTCTTTCTGCTTCATCAGAATCCAG-3'
Protein context (NP_000029.2, residues 2551-2571): HSKHSSSLPR[Val2561Ala]STWRRTGSSS